The following is an entry in ClinVar:

ClinVar aggregate classification (germline): Conflicting classifications of pathogenicity. Review status: criteria provided, conflicting classifications (1 of 4 stars). 3 submissions from 3 submitters: Uncertain significance (2); Likely benign (1). Last evaluated 2023-06-28.

Conditions:
Hereditary cancer-predisposing syndrome. Also called: Tumor predisposition; Neoplastic Syndromes, Hereditary; Hereditary neoplastic syndrome; Hereditary Cancer Syndrome. Identifiers: Orphanet 140162, MedGen C0027672, MeSH D009386, MONDO:0015356.
Breast-ovarian cancer, familial, susceptibility to, 2 (BROVCA2). Also called: BRCA2 Hereditary Breast and Ovarian Cancer. Identifiers: Orphanet 145, MedGen C2675520, MONDO:0012933, OMIM 612555. Disease mechanism: loss of function.
Hereditary breast ovarian cancer syndrome. Also called: Hereditary breast and ovarian cancer syndrome (HBOC); Hereditary breast and ovarian cancer; Hereditary breast and ovarian cancer syndrome; Breast and ovarian cancer; Hereditary breast and/or ovarian cancer syndrome; BRCA1- and BRCA2-Associated Hereditary Breast and Ovarian Cancer. Identifiers: Orphanet 145, MedGen C0677776, MeSH D061325, MONDO:0003582. Disease mechanism: loss of function.

Submissions (3):

All of Us Research Program, National Institutes of Health
Classification: Uncertain significance for Breast-ovarian cancer, familial, susceptibility to, 2. Last evaluated: 2023-06-28. Review status: criteria provided, single submitter. Criteria: ACMG Guidelines, 2015. Collection method: clinical testing. Allele origin: germline. Inheritance: Autosomal dominant inheritance. Observed: 1 variant allele, 1 heterozygote.
Comment: This study involves interpretation of variants in research participants for the purpose of population health screening. Participant phenotype was not available at the time of variant classification. Additional details can be found in publication PMID: 35346344, PMCID: PMC8962531

University of Washington Department of Laboratory Medicine, University of Washington
Classification: Likely benign for Hereditary cancer-predisposing syndrome. Last evaluated: 2023-03-23. Review status: criteria provided, single submitter. Criteria: Dines et al. (Genet Med. 2020). Collection method: curation. Allele origin: germline.
Comment: Missense variant in a coldspot region where missense variants are very unlikely to be pathogenic (PMID:31911673).

BRCA2 exon 11 coldspot. Reclassification based on statistical prior probability.

Labcorp Genetics (formerly Invitae), Labcorp
Classification: Uncertain significance for Hereditary breast ovarian cancer syndrome. Last evaluated: 2022-01-23. Review status: criteria provided, single submitter. Criteria: Invitae Variant Classification Sherloc (09022015). Collection method: clinical testing. Allele origin: germline.
Comment: In summary, the available evidence is currently insufficient to determine the role of this variant in disease. Therefore, it has been classified as a Variant of Uncertain Significance. Advanced modeling of protein sequence and biophysical properties (such as structural, functional, and spatial information, amino acid conservation, physicochemical variation, residue mobility, and thermodynamic stability) performed at Invitae indicates that this missense variant is not expected to disrupt BRCA2 protein function. This variant has not been reported in the literature in individuals affected with BRCA2-related conditions. This variant is not present in population databases (gnomAD no frequency). This sequence change replaces lysine, which is basic and polar, with glutamic acid, which is acidic and polar, at codon 1678 of the BRCA2 protein (p.Lys1678Glu).

NM_000059.4(BRCA2):c.5032A>G (p.Lys1678Glu)

Gene: BRCA2 (BRCA2 DNA repair associated; plus strand). Cytogenetic location: 13q13.1.
Variant type: single nucleotide variant.
Coding change: c.5032A>G on transcript NM_000059.4 (MANE Select); coding-DNA position 5032, A replaced by G.
Protein change: p.Lys1678Glu; replaces lysine 1678 with glutamic acid.
Molecular consequence: missense variant.
Genome position (GRCh38, 1-based): chr13:32,339,387, A>G. VCF-style: chr13-32339387-A-G. GRCh37 (hg19) VCF-style: chr13-32913524-A-G.
Other names: c.5032A>G, p.Lys1678Glu (NM_001406719.1, NM_001406720.1); short protein forms K1678E.
Identifiers: ClinVar variation 2089185 (VCV002089185.7), dbSNP rs2137513035, ClinGen allele CA387783984.
Genomic context (GRCh38, chr13:32,339,387, plus strand): 5'-CAGTCCCCTTATTCAGTCATTGAAAATTCAGCCTTAGCTTTTTACACAAGTTGTAGTAGA[A>G]AAACTTCTGTGAGTCAGACTTCATTACTTGAAGCAAAAAAATGGCTTAGAGAAGGAATAT-3'
Protein context (NP_000050.3, residues 1668-1688): ALAFYTSCSR[Lys1678Glu]TSVSQTSLLE